The following is an entry in ClinVar:

NM_001113378.2(FANCI):c.823A>G (p.Ile275Val)

Gene: FANCI (FA complementation group I; plus strand). Cytogenetic location: 15q26.1.
Variant type: single nucleotide variant.
Coding change: c.823A>G on transcript NM_001113378.2 (MANE Select); coding-DNA position 823, A replaced by G.
Protein change: p.Ile275Val; replaces isoleucine 275 with valine.
Molecular consequence: missense variant.
Genome position (GRCh38, 1-based): chr15:89,268,466, A>G. VCF-style: chr15-89268466-A-G. GRCh37 (hg19) VCF-style: chr15-89811697-A-G.
Other names: c.544A>G, p.Ile182Val (NM_001376910.1); c.823A>G, p.Ile275Val (NM_001376911.1, NM_018193.3); short protein forms I182V, I275V.
Identifiers: ClinVar variation 3625995 (VCV003625995.2).

ClinVar aggregate classification (germline): Uncertain significance (1 of 4 stars; one submission).

Conditions:
Fanconi anemia (FA). Also called: Fanconi's anemia. Identifiers: Orphanet 84, MedGen C0015625, MeSH D005199, MONDO:0019391.

gnomAD v4.1: 3 of 1,614,176 alleles (0.00019%); highest among the groups gnomAD compares: Non-Finnish European, 0.00017%; no homozygotes.

Submission:

Labcorp Genetics (formerly Invitae), Labcorp
Classification: Uncertain significance for Fanconi anemia. Last evaluated: 2024-05-01. Review status: criteria provided, single submitter. Criteria: Invitae Variant Classification Sherloc (09022015). Collection method: clinical testing. Allele origin: germline.
Comment: This sequence change replaces isoleucine, which is neutral and non-polar, with valine, which is neutral and non-polar, at codon 275 of the FANCI protein (p.Ile275Val). This variant is not present in population databases (gnomAD no frequency). This variant has not been reported in the literature in individuals affected with FANCI-related conditions. Advanced modeling of protein sequence and biophysical properties (such as structural, functional, and spatial information, amino acid conservation, physicochemical variation, residue mobility, and thermodynamic stability) performed at Invitae indicates that this missense variant is not expected to disrupt FANCI protein function with a negative predictive value of 80%. In summary, the available evidence is currently insufficient to determine the role of this variant in disease. Therefore, it has been classified as a Variant of Uncertain Significance.